The following is an entry in ClinVar:

ClinVar aggregate classification (germline): Uncertain significance (1 of 4 stars; one submission).

gnomAD v4.1: 1 of 1,613,446 alleles (0.000062%); highest among the groups gnomAD compares: Non-Finnish European, 0.000085%; no homozygotes.

Submission:

Dasa
Classification: Uncertain significance. Last evaluated: 2025-09-15. Review status: criteria provided, single submitter. Criteria: DASA Assertion Criteria. Collection method: clinical testing. Allele origin: germline.
Comment: NM_001267550.2(TTN):c.107377+4A>G is a splice-region variant. This variant is rare in population databases. Computational prediction algorithms are consistent with a deleterious effect. The currently available literature and clinical evidence are not sufficient to establish a definitive association between this variant and the reported condition. Therefore, this variant is classified as a variant of uncertain significance.

NM_001267550.2(TTN):c.107377+4A>G

Genes: TTN (titin; minus strand), TTN-AS1 (TTN antisense RNA 1; plus strand). Cytogenetic location: 2q31.2.
Variant type: single nucleotide variant.
Coding change: c.107377+4A>G on transcript NM_001267550.2 (MANE Select); 4 bases into the intron after coding-DNA position 107377, A replaced by G.
Molecular consequence: intron variant.
Genome position (GRCh38, 1-based): chr2:178,528,270, T>C on the plus strand (A>G on the coding strand, the complement: TTN is on the minus strand). VCF-style: chr2-178528270-T-C. GRCh37 (hg19) VCF-style: chr2-179392997-T-C.
Other names: c.80182+4A>G (NM_003319.4); c.80758+4A>G (NM_133437.4); c.80557+4A>G (NM_133432.3); c.99673+4A>G (NM_133378.4); c.102454+4A>G (NM_001256850.1).
Identifiers: ClinVar variation 4885257 (VCV004885257.2).
Genomic context (GRCh38, chr2:178,528,270, plus strand): 5'-GAGAGGCAAAAAAACGATCTAAAGGCCTTAAACATGTAAGGAAGAAGGGTGAGGAGATAC[T>C]TACGAAGGACCATTAAGGAAGCTGTAGCTGAACACTGGCCACGGAAATTTTTGGCCTTAA-3'